The following is an entry in ClinVar:

NM_001374385.1(ATP8B1):c.696T>C (p.Asp232=)

Gene: ATP8B1 (ATPase phospholipid transporting 8B1; minus strand). Cytogenetic location: 18q21.31.
Variant type: single nucleotide variant.
Coding change: c.696T>C on transcript NM_001374385.1 (MANE Select); coding-DNA position 696, T replaced by C.
Protein change: p.Asp232=; no amino-acid change (aspartic acid 232 retained).
Molecular consequence: synonymous variant.
Genome position (GRCh38, 1-based): chr18:57,697,620, A>G on the plus strand (T>C on the coding strand, the complement: ATP8B1 is on the minus strand). VCF-style: chr18-57697620-A-G. GRCh37 (hg19) VCF-style: chr18-55364852-A-G.
Other names: p.Asp232=; c.546T>C, p.Asp182= (NM_001374386.1); c.696T>C, p.Asp232= (NM_005603.6).
Identifiers: ClinVar variation 259826 (VCV000259826.22), dbSNP rs319438, ClinGen allele CA8974755.

ClinVar aggregate classification (germline): Benign/Likely benign. Review status: criteria provided, multiple submitters, no conflicts (2 of 4 stars). 13 submissions from 12 submitters: Benign (10); Likely benign (1). 2 of the submissions do not count toward it. Last evaluated 2026-04-14.

Conditions:
Progressive familial intrahepatic cholestasis type 1. Also called: BYLER DISEASE; Byler's disease; Severe ATP8B1 Deficiency (Progressive Familial Intrahepatic Cholestasis Type 1 [PFIC1]). Identifiers: Orphanet 79306, MedGen C4551898, MONDO:0008892, OMIM 211600.
Cholestasis, intrahepatic, of pregnancy, 1 (ICP1). Also called: CHOLESTASIS, PREGNANCY-RELATED, 1. Identifiers: Orphanet 69665, MedGen C3549845, MONDO:0007829, OMIM 147480.
Familial intrahepatic cholestasis. Identifiers: Orphanet 284385, MedGen CN296401, MONDO:0017290.

Allele frequency attached by ClinVar (database versions not stated): ESP Exome Variant Server 0.99308; TOPMed 0.99361; gnomAD 0.99384 and 0.99433; 1000 Genomes Project 0.99461; 1000 Genomes Project 30x 0.99485.
gnomAD v4.1: 1,612,227 of 1,613,916 alleles (100%); highest among the groups gnomAD compares: Non-Finnish European, 100%; 805,295 homozygotes.

Submissions (13):

Genomenon, Inc
Classification: Benign for Familial intrahepatic cholestasis. Last evaluated: 2026-04-14. Review status: criteria provided, single submitter. Criteria: Genomenon Sequence Variant Interpretation Standards - Updated. Collection method: curation. Allele origin: germline. Affected: no.
Comment: ATP8B1 c.696T>C is a synonymous variant that retains Aspartic acid at residue 232. This synonymous variant is not predicted to impact splicing. This variant is present at high allele frequency in population databases. In conclusion, we classify ATP8B1 p.Asp232= (c.696T>C) as a benign variant.

Labcorp Genetics (formerly Invitae), Labcorp
Classification: Benign. Last evaluated: 2026-02-04. Review status: criteria provided, single submitter. Criteria: Invitae Variant Classification Sherloc (09022015). Collection method: clinical testing. Allele origin: germline.

Mayo Clinic Laboratories, Mayo Clinic
Classification: Likely benign. Last evaluated: 2025-06-05. Review status: criteria provided, single submitter. Criteria: ACMG Guidelines, 2015. Collection method: clinical testing. Allele origin: germline. Observed: 538 variant alleles.

Women's Health and Genetics/Laboratory Corporation of America, LabCorp
Classification: Benign. Last evaluated: 2025-02-28. Review status: criteria provided, single submitter. Criteria: LabCorp Variant Classification Summary - May 2015. Collection method: clinical testing. Allele origin: germline.

Blueprint Genetics
Classification: Benign. Last evaluated: 2024-11-28. Review status: criteria provided, single submitter. Criteria: ACMG Guidelines, 2015. Collection method: clinical testing. Allele origin: germline.

Genome-Nilou Lab
Classification: Benign for Cholestasis, intrahepatic, of pregnancy, 1. Last evaluated: 2021-07-14. Review status: criteria provided, single submitter. Criteria: ACMG Guidelines, 2015. Collection method: clinical testing. Allele origin: germline. Affected: no.

Genome-Nilou Lab
Classification: Benign for Progressive familial intrahepatic cholestasis type 1. Last evaluated: 2021-07-14. Review status: criteria provided, single submitter. Criteria: ACMG Guidelines, 2015. Collection method: clinical testing. Allele origin: germline. Affected: no.

Illumina Laboratory Services, Illumina
Classification: Benign for Progressive familial intrahepatic cholestasis type 1. Last evaluated: 2018-01-13. Review status: criteria provided, single submitter. Criteria: ICSL Variant Classification Criteria 13 December 2019. Collection method: clinical testing. Allele origin: germline.
Comment: This variant was observed in the ICSL laboratory as part of a predisposition screen in an ostensibly healthy population. It had not been previously curated by ICSL or reported in the Human Gene Mutation Database (HGMD: prior to June 1st, 2018), and was therefore a candidate for classification through an automated scoring system. Utilizing variant allele frequency, disease prevalence and penetrance estimates, and inheritance mode, an automated score was calculated to assess if this variant is too frequent to cause the disease. Based on the score and internal cut-off values, a variant classified as benign is not then subjected to further curation. The score for this variant resulted in a classification of benign for this disease.

GeneDx
Classification: Benign. Last evaluated: 2015-12-02. Review status: criteria provided, single submitter. Criteria: GeneDx Variant Classification (06012015). Collection method: clinical testing. Allele origin: germline. Affected: yes.
Comment: This variant is considered likely benign or benign based on one or more of the following criteria: it is a conservative change, it occurs at a poorly conserved position in the protein, it is predicted to be benign by multiple in silico algorithms, and/or has population frequency not consistent with disease.

Breakthrough Genomics
Classification: Benign. Review status: criteria provided, single submitter. Criteria: ACMG Guidelines, 2015. Collection method: not provided. Allele origin: germline. Inheritance: Autosomal recessive inheritance. Affected: yes.

PreventionGenetics, part of Exact Sciences
Classification: Benign. Review status: criteria provided, single submitter. Criteria: ACMG Guidelines, 2015. Collection method: clinical testing. Allele origin: germline.

Diagnostic Laboratory, Department of Genetics, University Medical Center Groningen
Classification: Benign. Review status: no assertion criteria provided. Collection method: clinical testing. Allele origin: germline. Affected: yes. Study: VKGL Data-share Consensus. Not counted in ClinVar's aggregate classification.

Joint Genome Diagnostic Labs from Nijmegen and Maastricht, Radboudumc and MUMC+
Classification: Benign. Review status: no assertion criteria provided. Collection method: clinical testing. Allele origin: germline. Affected: yes. Study: VKGL Data-share Consensus. Not counted in ClinVar's aggregate classification.